The following is an entry in ClinVar:

NM_020699.4(GATAD2B):c.383del (p.Leu128fs)

Gene: GATAD2B (GATA zinc finger domain containing 2B; minus strand). Cytogenetic location: 1q21.3.
Variant type: Deletion.
Coding change: c.383del on transcript NM_020699.4 (MANE Select); coding-DNA position 383, one base deleted (T; older notation c.383delT).
Protein change: p.Leu128fs; shifts the reading frame from leucine 128.
Molecular consequence: frameshift variant.
Genome position (GRCh38, 1-based): chr1:153,819,688, A deleted on the plus strand (T on the coding strand, the reverse complement: GATAD2B is on the minus strand); the first of 4 consecutive A bases (chr1:153,819,688-153,819,691); deleting any one gives the same sequence. VCF-style (leftmost placement, unchanged base first): chr1-153819687-CA-C. GRCh37 (hg19) VCF-style: chr1-153792163-CA-C.
Other names: short protein forms L128fs.
Identifiers: ClinVar variation 4056490 (VCV004056490.1).
Genomic context (GRCh38, chr1:153,819,687, plus strand): 5'-TGCTTTGAGTCTTTCTTCCATTCTGGAACTGGAACGGGGACTGGAAGCCTCATTGTCAGA[CA>C]AAACAATGATGTCTGGTGAGGGAGTTAGCCTTCCTCGCTCTGGCTCACTAGACAAGAAAG-3'

ClinVar aggregate classification (germline): Likely pathogenic (1 of 4 stars; one submission).

Conditions:
Severe intellectual disability-poor language-strabismus-grimacing face-long fingers syndrome (GAND). Also called: GAND SYNDROME. Identifiers: Orphanet 363686, MedGen C3554448, MONDO:0014034, OMIM 615074.

Submission:

Laboratorio de Genetica e Diagnostico Molecular, Hospital Israelita Albert Einstein
Classification: Likely pathogenic for Severe intellectual disability-poor language-strabismus-grimacing face-long fingers syndrome. Last evaluated: 2024-06-10. Review status: criteria provided, single submitter. Criteria: ACMG Guidelines, 2015. Collection method: clinical testing. Allele origin: germline. Affected: yes.
Comment: ACMG classification criteria: PVS1 very strong, PM2 supporting